The following is an entry in ClinVar:

NM_032730.5(RTN4IP1):c.355_356del (p.Leu119fs)

Gene: RTN4IP1 (reticulon 4 interacting protein 1; minus strand). Cytogenetic location: 6q21.
Variant type: Microsatellite.
Coding change: c.355_356del on transcript NM_032730.5 (MANE Select); coding-DNA positions 355 to 356, 2 bases deleted (CT; older notation c.355_356delCT).
Protein change: p.Leu119fs; shifts the reading frame from leucine 119.
Molecular consequence: frameshift variant.
Genome position (GRCh38, 1-based): chr6:106,622,888-106,622,889, AG deleted on the plus strand (CT on the coding strand, the reverse complement: RTN4IP1 is on the minus strand); deleting any 2 consecutive bases within chr6:106,622,888-106,622,891 gives the same sequence; the c. name uses the placement nearest the transcript's 3' end. VCF-style (leftmost placement, unchanged base first): chr6-106622887-CAG-C. GRCh37 (hg19) VCF-style: chr6-107070762-CAG-C.
Other names: c.55_56del, p.Leu19fs (NM_001318746.1); short protein forms L119fs, L19fs.
Identifiers: ClinVar variation 1401751 (VCV001401751.6), dbSNP rs1562156198, ClinGen allele CA917827050.

ClinVar aggregate classification (germline): Pathogenic (1 of 4 stars; one submission).

Submission:

Labcorp Genetics (formerly Invitae), Labcorp
Classification: Pathogenic. Last evaluated: 2024-11-18. Review status: criteria provided, single submitter. Criteria: Invitae Variant Classification Sherloc (09022015). Collection method: clinical testing. Allele origin: germline.
Comment: This sequence change creates a premature translational stop signal (p.Leu119Glyfs*14) in the RTN4IP1 gene. It is expected to result in an absent or disrupted protein product. Loss-of-function variants in RTN4IP1 are known to be pathogenic (PMID: 26593267). This variant is not present in population databases (gnomAD no frequency). This variant has not been reported in the literature in individuals affected with RTN4IP1-related conditions. For these reasons, this variant has been classified as Pathogenic.

Literature cited by the submitters: PubMed 26593267.